The following is an entry in ClinVar:

ClinVar aggregate classification (germline): Conflicting classifications of pathogenicity. Review status: criteria provided, conflicting classifications (1 of 4 stars). 3 submissions from 3 submitters: Uncertain significance (2); Likely benign (1). Last evaluated 2024-01-22.

Conditions:
Developmental and epileptic encephalopathy, 69. Also called: EPILEPTIC ENCEPHALOPATHY, EARLY INFANTILE, 69. Identifiers: MedGen C4748988, MONDO:0032657, OMIM 618285.

Allele frequency attached by ClinVar (database versions not stated): gnomAD exomes below 0.00001 and 0.00001; TOPMed 0.00001; ExAC 0.00002.
gnomAD v4.1: 9 of 1,613,726 alleles (0.00056%); highest among the groups gnomAD compares: Non-Finnish European, 0.00068%; no homozygotes.

Submissions (3):

Labcorp Genetics (formerly Invitae), Labcorp
Classification: Likely benign. Last evaluated: 2024-01-22. Review status: criteria provided, single submitter. Criteria: Invitae Variant Classification Sherloc (09022015). Collection method: clinical testing. Allele origin: germline.

Genome-Nilou Lab
Classification: Uncertain significance for Developmental and epileptic encephalopathy, 69. Last evaluated: 2023-04-11. Review status: criteria provided, single submitter. Criteria: ACMG Guidelines, 2015. Collection method: clinical testing. Allele origin: germline. Affected: no.

CeGaT Center for Human Genetics Tuebingen
Classification: Uncertain significance. Last evaluated: 2022-07-01. Review status: criteria provided, single submitter. Criteria: CeGaT Center For Human Genetics Tuebingen Variant Classification Criteria Version 2. Collection method: clinical testing. Allele origin: germline. Affected: yes. Observed: 1 variant allele.
Comment: CACNA1E: PP2, PP3

NM_001205293.3(CACNA1E):c.176G>A (p.Arg59Gln)

Gene: CACNA1E (calcium voltage-gated channel subunit alpha1 E; plus strand). Cytogenetic location: 1q25.3.
Variant type: single nucleotide variant.
Coding change: c.176G>A on transcript NM_001205293.3 (MANE Select); coding-DNA position 176, G replaced by A.
Protein change: p.Arg59Gln; replaces arginine 59 with glutamine.
Molecular consequence: missense variant.
Genome position (GRCh38, 1-based): chr1:181,483,920, G>A. VCF-style: chr1-181483920-G-A. GRCh37 (hg19) VCF-style: chr1-181453056-G-A.
Other names: c.176G>A, p.Arg59Gln (NM_000721.4, NM_001205294.2); short protein forms R59Q.
Identifiers: ClinVar variation 1482994 (VCV001482994.32), dbSNP rs535592986, ClinGen allele CA1274839.
Genomic context (GRCh38, chr1:181,483,920, plus strand): 5'-ACAAGCAGACGAAAGCACAGAGGGCGCGGACTATGGCTTTGTACAACCCCATTCCCGTCC[G>A]GCAGAACTGTTTCACCGTCAACAGATCCCTGTTCATCTTCGGAGAAGATAACATTGTCAG-3'
Protein context (NP_001192222.1, residues 49-69): TMALYNPIPV[Arg59Gln]QNCFTVNRSL